The following is an entry in ClinVar:

NC_000019.9:g.(?_41114106)_(41201979_?)dup

Genes: COQ8B (coenzyme Q8B; minus strand), LTBP4 (latent transforming growth factor beta binding protein 4; plus strand), NUMBL (NUMB like endocytic adaptor protein; minus strand). Cytogenetic location: 19q13.2.
Variant type: Duplication.
Identifiers: ClinVar variation 2426897 (VCV002426897.4).

ClinVar aggregate classification (germline): Uncertain significance (1 of 4 stars; one submission).

Submission:

Labcorp Genetics (formerly Invitae), Labcorp
Classification: Uncertain significance. Last evaluated: 2022-03-27. Review status: criteria provided, single submitter. Criteria: Invitae Variant Classification Sherloc (09022015). Collection method: clinical testing. Allele origin: germline.
Comment: Experimental studies and prediction algorithms are not available or were not evaluated, and the functional significance of this variant is currently unknown. This variant has not been reported in the literature in individuals affected with COQ8B-related conditions. This variant results in a copy number gain of the genomic region encompassing exon(s) 13-15 of the COQ8B gene. This region includes the termination codon of the gene. This copy number gain extends beyond the assayed region for this gene and therefore may encompass additional genes. As the precise location of this event is unknown, it may be in tandem or it may be located elsewhere in the genome. In summary, the available evidence is currently insufficient to determine the role of this variant in disease. Therefore, it has been classified as a Variant of Uncertain Significance.